The following is an entry in ClinVar:

NM_017827.4(SARS2):c.600C>G (p.Phe200Leu)

Gene: SARS2 (seryl-tRNA synthetase 2, mitochondrial; minus strand). Cytogenetic location: 19q13.2.
Variant type: single nucleotide variant.
Coding change: c.600C>G on transcript NM_017827.4 (MANE Select); coding-DNA position 600, C replaced by G.
Protein change: p.Phe200Leu; replaces phenylalanine 200 with leucine.
Molecular consequence: missense variant.
Genome position (GRCh38, 1-based): chr19:38,920,139, G>C on the plus strand (C>G on the coding strand, the complement: SARS2 is on the minus strand). VCF-style: chr19-38920139-G-C. GRCh37 (hg19) VCF-style: chr19-39410779-G-C.
Other names: c.606C>G, p.Phe202Leu (NM_001145901.2); short protein forms F200L, F202L.
Identifiers: ClinVar variation 1704192 (VCV001704192.5), dbSNP rs368080032, ClinGen allele CA9423106.
Genomic context (GRCh38, chr19:38,920,139, plus strand): 5'-GGCTCACTTCTGACGGATGATGTCGAGTTTCTCGCCAATTTCCAGGTGGCCCCGAGGTTG[G>C]AAGGAGAAAACTGGATGTGGGTGAAAAGCACCGGTGTAAGGCAGCGGGGAGAGAGGGATG-3'
Protein context (NP_060297.1, residues 190-210): HMVGDKPVFS[Phe200Leu]QPRGHLEIGE

ClinVar aggregate classification (germline): Uncertain significance. Review status: criteria provided, multiple submitters, no conflicts (2 of 4 stars). 2 submissions from 2 submitters: Uncertain significance (2). Last evaluated 2022-02-28.

Allele frequency attached by ClinVar (database versions not stated): gnomAD exomes below 0.00001; gnomAD 0.00003; TOPMed 0.00003; ESP Exome Variant Server 0.00008; ExAC 0.00009.
gnomAD v4.1: 6 of 1,560,154 alleles (0.00038%); highest among the groups gnomAD compares: African/African-American, 0.0081%; no homozygotes.

Submissions (2):

GeneDx
Classification: Uncertain significance. Last evaluated: 2022-02-28. Review status: criteria provided, single submitter. Criteria: GeneDx Variant Classification Process June 2021. Collection method: clinical testing. Allele origin: germline. Affected: yes.
Comment: In silico analysis supports that this missense variant has a deleterious effect on protein structure/function; Has not been previously published as pathogenic or benign to our knowledge

Ambry Genetics
Classification: Uncertain significance. Last evaluated: 2021-09-17. Review status: criteria provided, single submitter. Criteria: Ambry Variant Classification Scheme 2023. Collection method: clinical testing. Allele origin: germline.